The following is an entry in ClinVar:

NM_003489.4(NRIP1):c.477G>A (p.Glu159=)

Gene: NRIP1 (nuclear receptor interacting protein 1; minus strand). Cytogenetic location: 21q11.2.
Variant type: single nucleotide variant.
Coding change: c.477G>A on transcript NM_003489.4 (MANE Select); coding-DNA position 477, G replaced by A.
Protein change: p.Glu159=; no amino-acid change (glutamic acid 159 retained).
Molecular consequence: synonymous variant.
Genome position (GRCh38, 1-based): chr21:14,967,716, C>T on the plus strand (G>A on the coding strand, the complement: NRIP1 is on the minus strand). VCF-style: chr21-14967716-C-T. GRCh37 (hg19) VCF-style: chr21-16340037-C-T.
Identifiers: ClinVar variation 2652572 (VCV002652572.25), dbSNP rs760404758, ClinGen allele CA9981487.
Genomic context (GRCh38, chr21:14,967,716, plus strand): 5'-ACCATAGCACCTTAAATCCTTCTCCACTTTTAAAGAATCATGACTGAGGGCATATCCTTG[C>T]TCCTTGAGGCTCTGCCTGATTTGTTGTGACAGAGCAACAGTCTGCAGCCTAGAGCTGAAT-3'
Protein context (NP_003480.2, residues 149-169): LSQQIRQSLK[Glu159=]QGYALSHDSL

ClinVar aggregate classification (germline): Likely benign. Review status: criteria provided, multiple submitters, no conflicts (2 of 4 stars). 2 submissions from 2 submitters: Likely benign (2). Last evaluated 2025-06-12.

Allele frequency attached by ClinVar (database versions not stated): gnomAD exomes 0.00005; ExAC 0.00006; gnomAD 0.00007; TOPMed 0.00010.
gnomAD v4.1: 96 of 1,614,044 alleles (0.0059%); highest among the groups gnomAD compares: Middle Eastern, 0.082%; no homozygotes.

Submissions (2):

Labcorp Genetics (formerly Invitae), Labcorp
Classification: Likely benign. Last evaluated: 2025-06-12. Review status: criteria provided, single submitter. Criteria: Invitae Variant Classification Sherloc (09022015). Collection method: clinical testing. Allele origin: germline.

CeGaT Center for Human Genetics Tuebingen
Classification: Likely benign. Last evaluated: 2023-04-01. Review status: criteria provided, single submitter. Criteria: CeGaT Center For Human Genetics Tuebingen Variant Classification Criteria Version 2. Collection method: clinical testing. Allele origin: germline. Affected: yes. Observed: 1 variant allele.
Comment: NRIP1: BP4